The following is an entry in ClinVar:

ClinVar aggregate classification (germline): Likely benign (1 of 4 stars; one submission).

Conditions:
VPS13B-related disorder. Also called: VPS13B-related condition.

gnomAD v4.1: 2 of 1,613,614 alleles (0.00012%); highest among the groups gnomAD compares: Non-Finnish European, 0.00017%; no homozygotes.

Submission:

PreventionGenetics, part of Exact Sciences
Classification: Likely benign for VPS13B-related condition. Last evaluated: 2024-12-12. Review status: criteria provided, single submitter. Criteria: ACMG Guidelines, 2015. Collection method: clinical testing. Allele origin: germline.
Comment: This variant is classified as likely benign based on ACMG/AMP sequence variant interpretation guidelines (Richards et al. 2015 PMID: 25741868, with internal and published modifications).

NM_152564.5(VPS13B):c.9183+3A>G

Gene: VPS13B (vacuolar protein sorting 13 homolog B; plus strand). Cytogenetic location: 8q22.2.
Variant type: single nucleotide variant.
Coding change: c.9183+3A>G on transcript NM_152564.5 (MANE Select); 3 bases into the intron after coding-DNA position 9183, A replaced by G.
Molecular consequence: intron variant.
Genome position (GRCh38, 1-based): chr8:99,821,485, A>G. VCF-style: chr8-99821485-A-G. GRCh37 (hg19) VCF-style: chr8-100833713-A-G.
Other names: c.9258+3A>G (NM_017890.5).
Identifiers: ClinVar variation 4982160 (VCV004982160.1).